The following is an entry in ClinVar:

ClinVar aggregate classification (germline): Likely benign (0 of 4 stars; one submission).

Conditions:
PKD1L1-related disorder. Also called: PKD1L1-related condition.

gnomAD v4.1: 20 of 1,613,990 alleles (0.0012%); highest among the groups gnomAD compares: African/African-American, 0.015%; no homozygotes.

Submission:

PreventionGenetics, part of Exact Sciences
Classification: Likely benign for PKD1L1-related condition. Last evaluated: 2024-04-13. Review status: no assertion criteria provided. Collection method: clinical testing. Allele origin: germline.
Comment: This variant is classified as likely benign based on ACMG/AMP sequence variant interpretation guidelines (Richards et al. 2015 PMID: 25741868, with internal and published modifications).

NM_138295.5(PKD1L1):c.4305G>A (p.Ser1435=)

Gene: PKD1L1 (polycystin 1 like 1, transient receptor potential channel interacting; minus strand). Cytogenetic location: 7p12.3.
Variant type: single nucleotide variant.
Coding change: c.4305G>A on transcript NM_138295.5 (MANE Select); coding-DNA position 4305, G replaced by A.
Protein change: p.Ser1435=; no amino-acid change (serine 1435 retained).
Molecular consequence: synonymous variant.
Genome position (GRCh38, 1-based): chr7:47,858,730, C>T on the plus strand (G>A on the coding strand, the complement: PKD1L1 is on the minus strand). VCF-style: chr7-47858730-C-T. GRCh37 (hg19) VCF-style: chr7-47898328-C-T.
Identifiers: ClinVar variation 3350824 (VCV003350824.1).